The following is an entry in ClinVar:

ClinVar aggregate classification (germline): Conflicting classifications of pathogenicity. Review status: criteria provided, conflicting classifications (1 of 4 stars). 2 submissions from 2 submitters: Uncertain significance (1); Likely benign (1). Last evaluated 2025-05-05.

Conditions:
Inborn genetic diseases. Identifiers: MedGen C0950123, MeSH D030342.
Oculofaciocardiodental syndrome (MCOPS2). Identifiers: Orphanet 2712, MedGen C1846265, MONDO:0010261, OMIM 300166.

Allele frequency attached by ClinVar (database versions not stated): gnomAD exomes below 0.00001; ExAC 0.00001; gnomAD 0.00002.
gnomAD v4.1: 8 of 1,209,903 alleles (0.00066%); highest among the groups gnomAD compares: South Asian, 0.012%; no homozygotes.

Submissions (2):

Ambry Genetics
Classification: Likely benign for Inborn genetic diseases. Last evaluated: 2025-05-05. Review status: criteria provided, single submitter. Criteria: Ambry Variant Classification Scheme 2023. Collection method: clinical testing. Allele origin: germline.

Labcorp Genetics (formerly Invitae), Labcorp
Classification: Uncertain significance for Oculofaciocardiodental syndrome. Last evaluated: 2023-10-28. Review status: criteria provided, single submitter. Criteria: Invitae Variant Classification Sherloc (09022015). Collection method: clinical testing. Allele origin: germline.
Comment: This sequence change replaces serine, which is neutral and polar, with proline, which is neutral and non-polar, at codon 1643 of the BCOR protein (p.Ser1643Pro). This variant is present in population databases (rs772836203, gnomAD 0.02%). This variant has not been reported in the literature in individuals affected with BCOR-related conditions. Advanced modeling of protein sequence and biophysical properties (such as structural, functional, and spatial information, amino acid conservation, physicochemical variation, residue mobility, and thermodynamic stability) performed at Invitae indicates that this missense variant is not expected to disrupt BCOR protein function with a negative predictive value of 80%. In summary, the available evidence is currently insufficient to determine the role of this variant in disease. Therefore, it has been classified as a Variant of Uncertain Significance.

NM_001123385.2(BCOR):c.5029T>C (p.Ser1677Pro)

Gene: BCOR (BCL6 corepressor; minus strand). Cytogenetic location: Xp11.4.
Variant type: single nucleotide variant.
Coding change: c.5029T>C on transcript NM_001123385.2 (MANE Select); coding-DNA position 5029, T replaced by C.
Protein change: p.Ser1677Pro; replaces serine 1677 with proline.
Molecular consequence: missense variant.
Genome position (GRCh38, 1-based): chrX:40,052,348, A>G on the plus strand (T>C on the coding strand, the complement: BCOR is on the minus strand). VCF-style: chrX-40052348-A-G. GRCh37 (hg19) VCF-style: chrX-39911601-A-G.
Other names: c.4927T>C, p.Ser1643Pro (NM_001123383.2, NM_017745.6); c.4873T>C, p.Ser1625Pro (NM_001123384.2); short protein forms S1643P, S1625P, S1677P.
Identifiers: ClinVar variation 2969936 (VCV002969936.4), dbSNP rs772836203, ClinGen allele CA10386320.